The following is an entry in ClinVar:

ClinVar aggregate classification (germline): Conflicting classifications of pathogenicity. Review status: criteria provided, conflicting classifications (1 of 4 stars). 6 submissions from 5 submitters: Uncertain significance (2); Likely benign (4). Last evaluated 2024-01-24.

Conditions:
Left ventricular noncompaction 10 (LVNC10). Identifiers: Orphanet 154, Orphanet 54260, MedGen C3715165, MONDO:0014163, OMIM 615396.
Cardiomyopathy (CMYO). Also called: Cardiomyopathies. Identifiers: Orphanet 167848, MedGen C0878544, MONDO:0004994, HP:0001638. Inheritance: Various modes of inheritance.
Hypertrophic cardiomyopathy. Also called: HYPERTROPHIC MYOCARDIOPATHY. Identifiers: Orphanet 217569, MedGen C0007194, MeSH D002312, MONDO:0005045, HP:0001639.
Hypertrophic cardiomyopathy 4. Also called: Familial hypertrophic cardiomyopathy 4. Identifiers: MedGen C1861862, MONDO:0007268, OMIM 115197.

Allele frequency attached by ClinVar (database versions not stated): gnomAD 0.00001.
gnomAD v4.1: 3 of 1,541,390 alleles (0.00019%); highest among the groups gnomAD compares: East Asian, 0.0071%; no homozygotes.

Submissions (6):

Labcorp Genetics (formerly Invitae), Labcorp
Classification: Likely benign for Hypertrophic cardiomyopathy. Last evaluated: 2024-01-24. Review status: criteria provided, single submitter. Criteria: Invitae Variant Classification Sherloc (09022015). Collection method: clinical testing. Allele origin: germline.

All of Us Research Program, National Institutes of Health
Classification: Likely benign for Hypertrophic cardiomyopathy. Last evaluated: 2023-06-28. Review status: criteria provided, single submitter. Criteria: ACMG Guidelines, 2015. Collection method: clinical testing. Allele origin: germline. Inheritance: Autosomal dominant inheritance. Observed: 1 variant allele, 1 heterozygote.
Comment: This study involves interpretation of variants in research participants for the purpose of population health screening. Participant phenotype was not available at the time of variant classification. Additional details can be found in publication PMID: 35346344, PMCID: PMC8962531

Color Diagnostics, LLC DBA Color Health
Classification: Likely benign for Cardiomyopathy. Last evaluated: 2022-01-26. Review status: criteria provided, single submitter. Criteria: ACMG Guidelines, 2015. Collection method: clinical testing. Allele origin: germline.

CHEO Genetics Diagnostic Laboratory, Children's Hospital of Eastern Ontario
Classification: Likely benign for Cardiomyopathy. Last evaluated: 2019-10-30. Review status: criteria provided, single submitter. Criteria: ACMG Guidelines, 2015. Collection method: clinical testing. Allele origin: germline.

Illumina Laboratory Services, Illumina
Classification: Uncertain significance for Left ventricular noncompaction 10. Last evaluated: 2018-01-12. Review status: criteria provided, single submitter. Criteria: ICSL Variant Classification Criteria 13 December 2019. Collection method: clinical testing. Allele origin: germline.

Illumina Laboratory Services, Illumina
Classification: Uncertain significance for Hypertrophic cardiomyopathy 4. Last evaluated: 2018-01-12. Review status: criteria provided, single submitter. Criteria: ICSL Variant Classification Criteria 13 December 2019. Collection method: clinical testing. Allele origin: germline.

NM_000256.3(MYBPC3):c.2901C>A (p.Ile967=)

Gene: MYBPC3 (myosin binding protein C3; minus strand). Cytogenetic location: 11p11.2.
Variant type: single nucleotide variant.
Coding change: c.2901C>A on transcript NM_000256.3 (MANE Select); coding-DNA position 2901, C replaced by A.
Protein change: p.Ile967=; no amino-acid change (isoleucine 967 retained).
Molecular consequence: synonymous variant.
Genome position (GRCh38, 1-based): chr11:47,335,046, G>T on the plus strand (C>A on the coding strand, the complement: MYBPC3 is on the minus strand). VCF-style: chr11-47335046-G-T. GRCh37 (hg19) VCF-style: chr11-47356597-G-T.
Identifiers: ClinVar variation 877369 (VCV000877369.15), dbSNP rs2095880876, ClinGen allele CA474212773.